The following is an entry in ClinVar:

ClinVar aggregate classification (germline): Likely benign. Review status: criteria provided, multiple submitters, no conflicts (2 of 4 stars). 2 submissions from 2 submitters: Likely benign (2). Last evaluated 2025-12-08.

Conditions:
DCPS-related disorder. Also called: DCPS-related condition.

Submissions (2):

PreventionGenetics, part of Exact Sciences
Classification: Likely benign for DCPS-related condition. Last evaluated: 2025-12-08. Review status: criteria provided, single submitter. Criteria: ACMG Guidelines, 2015. Collection method: clinical testing. Allele origin: germline.
Comment: This variant is classified as likely benign based on ACMG/AMP sequence variant interpretation guidelines (Richards et al. 2015 PMID: 25741868, with internal and published modifications).

CeGaT Center for Human Genetics Tuebingen
Classification: Likely benign. Last evaluated: 2025-02-01. Review status: criteria provided, single submitter. Criteria: CeGaT Center For Human Genetics Tuebingen Variant Classification Criteria Version 2. Collection method: clinical testing. Allele origin: germline. Affected: yes. Observed: 1 variant allele.
Comment: DCPS: BP4

NM_014026.6(DCPS):c.944G>A (p.Arg315His)

Genes: DCPS (decapping enzyme, scavenger; plus strand), GSEC (G-quadruplex forming sequence containing lncRNA; minus strand). Cytogenetic location: 11q24.2.
Variant type: single nucleotide variant.
Coding change: c.944G>A on transcript NM_014026.6 (MANE Select); coding-DNA position 944, G replaced by A.
Protein change: p.Arg315His; replaces arginine 315 with histidine.
Molecular consequence: missense variant.
Genome position (GRCh38, 1-based): chr11:126,345,543, G>A. VCF-style: chr11-126345543-G-A. GRCh37 (hg19) VCF-style: chr11-126215438-G-A.
Other names: c.965G>A, p.Arg322His (NM_001350236.2); c.944G>A (NM_014026.4); short protein forms R315H, R322H.
Identifiers: ClinVar variation 3770682 (VCV003770682.14).